The following is an entry in ClinVar:

ClinVar aggregate classification (germline): Benign/Likely benign. Review status: criteria provided, multiple submitters, no conflicts (2 of 4 stars). 5 submissions from 5 submitters: Benign (2); Likely benign (3). Last evaluated 2026-05-05.

Conditions:
Renal hypomagnesemia 6. Identifiers: Orphanet 34527, MedGen C3151295, MONDO:0013480, OMIM 613882.
Hypomagnesemia, seizures, and impaired intellectual development 1. Also called: Hypomagnesemia, seizures, and intellectual disability 1. Identifiers: Orphanet 34527, MedGen C4225333, MONDO:0020787, OMIM 616418.

Allele frequency attached by ClinVar (database versions not stated): gnomAD 0.00044 and 0.00043; TOPMed 0.00047; ExAC 0.00043; ESP Exome Variant Server 0.00046; 1000 Genomes Project 30x 0.00031; 1000 Genomes Project 0.00040.
gnomAD v4.1: 1,205 of 1,612,164 alleles (0.075%); highest among the groups gnomAD compares: Non-Finnish European, 0.096%; 1 homozygote.

Submissions (5):

Revvity Omics, Revvity
Classification: Benign. Last evaluated: 2026-05-05. Review status: criteria provided, single submitter. Criteria: ACMG Guidelines, 2015. Collection method: clinical testing. Allele origin: germline.

CeGaT Center for Human Genetics Tuebingen
Classification: Likely benign. Last evaluated: 2026-02-01. Review status: criteria provided, single submitter. Criteria: CeGaT Center For Human Genetics Tuebingen Variant Classification Criteria Version 2. Collection method: clinical testing. Allele origin: germline. Affected: yes. Observed: 4 variant alleles.
Comment: CNNM2: BP4, BP7

Labcorp Genetics (formerly Invitae), Labcorp
Classification: Likely benign. Last evaluated: 2025-08-23. Review status: criteria provided, single submitter. Criteria: Invitae Variant Classification Sherloc (09022015). Collection method: clinical testing. Allele origin: germline.

Fulgent Genetics
Classification: Likely benign for Renal hypomagnesemia 6; Hypomagnesemia, seizures, and impaired intellectual development 1. Last evaluated: 2021-09-15. Review status: criteria provided, single submitter. Criteria: ACMG Guidelines, 2015. Collection method: clinical testing. Allele origin: unknown.

Illumina Laboratory Services, Illumina
Classification: Benign for Renal hypomagnesemia 6. Last evaluated: 2018-01-13. Review status: criteria provided, single submitter. Criteria: ICSL Variant Classification Criteria 13 December 2019. Collection method: clinical testing. Allele origin: germline.
Comment: This variant was observed in the ICSL laboratory as part of a predisposition screen in an ostensibly healthy population. It had not been previously curated by ICSL or reported in the Human Gene Mutation Database (HGMD: prior to June 1st, 2018), and was therefore a candidate for classification through an automated scoring system. Utilizing variant allele frequency, disease prevalence and penetrance estimates, and inheritance mode, an automated score was calculated to assess if this variant is too frequent to cause the disease. Based on the score and internal cut-off values, a variant classified as benign is not then subjected to further curation. The score for this variant resulted in a classification of benign for this disease.

NM_017649.5(CNNM2):c.903C>T (p.Tyr301=)

Gene: CNNM2 (cyclin and CBS domain divalent metal cation transport mediator 2; plus strand). Cytogenetic location: 10q24.32.
Variant type: single nucleotide variant.
Coding change: c.903C>T on transcript NM_017649.5 (MANE Select); coding-DNA position 903, C replaced by T.
Protein change: p.Tyr301=; no amino-acid change (tyrosine 301 retained).
Molecular consequence: synonymous variant.
Genome position (GRCh38, 1-based): chr10:102,919,383, C>T. VCF-style: chr10-102919383-C-T. GRCh37 (hg19) VCF-style: chr10-104679140-C-T.
Other names: c.903C>T, p.Tyr301= (NM_199076.3, NM_199077.3).
Identifiers: ClinVar variation 740699 (VCV000740699.38), dbSNP rs140279763, ClinGen allele CA5670331.